The following is an entry in ClinVar:

NM_000092.5(COL4A4):c.2860+6T>G

Gene: COL4A4 (collagen type IV alpha 4 chain; minus strand). Cytogenetic location: 2q36.3.
Variant type: single nucleotide variant.
Coding change: c.2860+6T>G on transcript NM_000092.5 (MANE Select); 6 bases into the intron after coding-DNA position 2860, T replaced by G.
Molecular consequence: intron variant.
Genome position (GRCh38, 1-based): chr2:227,054,588, A>C on the plus strand (T>G on the coding strand, the complement: COL4A4 is on the minus strand). VCF-style: chr2-227054588-A-C. GRCh37 (hg19) VCF-style: chr2-227919304-A-C.
Identifiers: ClinVar variation 4991378 (VCV004991378.1).

ClinVar aggregate classification (germline): Likely benign (1 of 4 stars; one submission).

Conditions:
COL4A4-related disorder.

Submission:

PreventionGenetics, part of Exact Sciences
Classification: Likely benign for COL4A4-related condition. Last evaluated: 2026-06-26. Review status: criteria provided, single submitter. Criteria: ACMG Guidelines, 2015. Collection method: clinical testing. Allele origin: germline.
Comment: This variant is classified as likely benign based on ACMG/AMP sequence variant interpretation guidelines (Richards et al. 2015 PMID: 25741868, with internal and published modifications).